The following is an entry in ClinVar:

NM_005751.5(AKAP9):c.8782C>T (p.Arg2928Ter)

Gene: AKAP9 (A-kinase anchoring protein 9; plus strand). Cytogenetic location: 7q21.2.
Variant type: single nucleotide variant.
Coding change: c.8782C>T on transcript NM_005751.5 (MANE Select); coding-DNA position 8782, C replaced by T.
Protein change: p.Arg2928Ter; replaces arginine 2928 with a stop codon.
Molecular consequence: nonsense.
Genome position (GRCh38, 1-based): chr7:92,084,890, C>T. VCF-style: chr7-92084890-C-T. GRCh37 (hg19) VCF-style: chr7-91714204-C-T.
Other names: c.3427C>T, p.Arg1143Ter (NM_001379277.1); c.8758C>T, p.Arg2920Ter (NM_147185.3); short protein forms R1143*, R2920*, R2928*.
Identifiers: ClinVar variation 1002666 (VCV001002666.10), dbSNP rs746403215, ClinGen allele CA368141439.

ClinVar aggregate classification (germline): Uncertain significance. Review status: criteria provided, multiple submitters, no conflicts (2 of 4 stars). 3 submissions from 3 submitters: Uncertain significance (3). Last evaluated 2023-08-29.

Conditions:
Cardiovascular phenotype. Identifiers: MedGen CN230736.
Long QT syndrome (LQTS). Identifiers: MedGen C0023976, MeSH D008133, MONDO:0002442. Disease mechanism: loss of function. Inheritance: Various modes of inheritance.

Allele frequency attached by ClinVar (database versions not stated): TOPMed below 0.00001.
gnomAD v4.1: 12 of 1,612,500 alleles (0.00074%); highest among the groups gnomAD compares: Admixed American, 0.0017%; no homozygotes.

Submissions (3):

Ambry Genetics
Classification: Uncertain significance for Cardiovascular phenotype. Last evaluated: 2023-08-29. Review status: criteria provided, single submitter. Criteria: Ambry Variant Classification Scheme 2023. Collection method: clinical testing. Allele origin: germline.
Comment: The p.R2928* variant (also known as c.8782C>T), located in coding exon 35 of the AKAP9 gene, results from a C to T substitution at nucleotide position 8782. This changes the amino acid from an arginine to a stop codon within coding exon 35. This alteration is expected to result in premature protein truncation or nonsense-mediated mRNA decay. However, the evidence for this gene-disease relationship is limited; therefore, the clinical significance of this alteration is unclear.

Labcorp Genetics (formerly Invitae), Labcorp
Classification: Uncertain significance for Long QT syndrome. Last evaluated: 2022-07-25. Review status: criteria provided, single submitter. Criteria: Invitae Variant Classification Sherloc (09022015). Collection method: clinical testing. Allele origin: germline.
Comment: ClinVar contains an entry for this variant (Variation ID: 1002666). In summary, the available evidence is currently insufficient to determine the role of this variant in disease. Therefore, it has been classified as a Variant of Uncertain Significance. This variant has not been reported in the literature in individuals affected with AKAP9-related conditions. This variant is not present in population databases (gnomAD no frequency). This sequence change creates a premature translational stop signal (p.Arg2928*) in the AKAP9 gene. It is expected to result in an absent or disrupted protein product. However, the current clinical and genetic evidence is not sufficient to establish whether loss-of-function variants in AKAP9 cause disease.

AiLife Diagnostics
Classification: Uncertain significance. Last evaluated: 2021-06-20. Review status: criteria provided, single submitter. Criteria: ACMG Guidelines, 2015. Collection method: clinical testing. Allele origin: germline. Affected: yes. Observed: 1 variant allele.